The following is an entry in ClinVar:

ClinVar aggregate classification (germline): Uncertain significance (1 of 4 stars; one submission).

Conditions:
Cortical dysplasia-focal epilepsy syndrome (PTHSL1). Also called: Pitt-Hopkins-like syndrome 1. Identifiers: Orphanet 163681, Orphanet 221150, MedGen C2750246, MONDO:0012400, OMIM 610042.

Allele frequency attached by ClinVar (database versions not stated): gnomAD exomes below 0.00001; TOPMed below 0.00001; gnomAD 0.00001.
gnomAD v4.1: 3 of 1,614,028 alleles (0.00019%); highest among the groups gnomAD compares: Non-Finnish European, 0.00025%; no homozygotes.

Submission:

Labcorp Genetics (formerly Invitae), Labcorp
Classification: Uncertain significance for Cortical dysplasia-focal epilepsy syndrome. Last evaluated: 2021-08-31. Review status: criteria provided, single submitter. Criteria: Invitae Variant Classification Sherloc (09022015). Collection method: clinical testing. Allele origin: germline.
Comment: This sequence change replaces phenylalanine with valine at codon 1318 of the CNTNAP2 protein (p.Phe1318Val). The phenylalanine residue is highly conserved and there is a small physicochemical difference between phenylalanine and valine. This variant is not present in population databases (ExAC no frequency). This variant has not been reported in the literature in individuals affected with CNTNAP2-related conditions. Algorithms developed to predict the effect of missense changes on protein structure and function are either unavailable or do not agree on the potential impact of this missense change (SIFT: "Deleterious"; PolyPhen-2: "Benign"; Align-GVGD: "Class C0"). In summary, the available evidence is currently insufficient to determine the role of this variant in disease. Therefore, it has been classified as a Variant of Uncertain Significance.

NM_014141.6(CNTNAP2):c.3952T>G (p.Phe1318Val)

Gene: CNTNAP2 (contactin associated protein 2; plus strand). Cytogenetic location: 7q36.1.
Variant type: single nucleotide variant.
Coding change: c.3952T>G on transcript NM_014141.6 (MANE Select); coding-DNA position 3952, T replaced by G.
Protein change: p.Phe1318Val; replaces phenylalanine 1318 with valine.
Molecular consequence: missense variant.
Genome position (GRCh38, 1-based): chr7:148,415,572, T>G. VCF-style: chr7-148415572-T-G. GRCh37 (hg19) VCF-style: chr7-148112664-T-G.
Other names: short protein forms F1318V.
Identifiers: ClinVar variation 579184 (VCV000579184.9), dbSNP rs1468031997, ClinGen allele CA369706965.